The following is an entry in ClinVar:

ClinVar aggregate classification (germline): Benign/Likely benign. Review status: criteria provided, multiple submitters, no conflicts (2 of 4 stars). 3 submissions from 3 submitters: Benign (1); Likely benign (2). Last evaluated 2025-02-14.

Conditions:
Breast-ovarian cancer, familial, susceptibility to, 3. Also called: RAD51C-Related Breast/Ovarian Cancer. Identifiers: Orphanet 145, MedGen C3150659, MONDO:0013253, OMIM 613399.
Fanconi anemia complementation group O. Also called: RAD51C-Related Fanconi Anemia. Identifiers: Orphanet 84, MedGen C3150653, MONDO:0013248, OMIM 613390.
Hereditary cancer-predisposing syndrome. Also called: Tumor predisposition; Neoplastic Syndromes, Hereditary; Hereditary Cancer Syndrome; Hereditary neoplastic syndrome. Identifiers: Orphanet 140162, MedGen C0027672, MeSH D009386, MONDO:0015356.

Submissions (3):

Myriad Genetics, Inc.
Classification: Benign for Breast-ovarian cancer, familial, susceptibility to, 3. Last evaluated: 2025-02-14. Review status: criteria provided, single submitter. Criteria: Myriad Autosomal Dominant, Autosomal Recessive and X-Linked Classification Criteria (2023). Collection method: clinical testing. Allele origin: unknown.
Comment: This variant is considered benign. This variant is a silent/synonymous amino acid change and it is not expected to impact splicing.

Labcorp Genetics (formerly Invitae), Labcorp
Classification: Likely benign for Fanconi anemia complementation group O. Last evaluated: 2024-05-28. Review status: criteria provided, single submitter. Criteria: Invitae Variant Classification Sherloc (09022015). Collection method: clinical testing. Allele origin: germline.

Color Diagnostics, LLC DBA Color Health
Classification: Likely benign for Hereditary cancer-predisposing syndrome. Last evaluated: 2017-11-12. Review status: criteria provided, single submitter. Criteria: ACMG Guidelines, 2015. Collection method: clinical testing. Allele origin: germline.

NM_058216.3(RAD51C):c.66G>T (p.Ala22=)

Gene: RAD51C (RAD51 paralog C; plus strand). Cytogenetic location: 17q22.
Variant type: single nucleotide variant.
Coding change: c.66G>T on transcript NM_058216.3 (MANE Select); coding-DNA position 66, G replaced by T.
Protein change: p.Ala22=; no amino-acid change (alanine 22 retained).
Molecular consequence: synonymous variant. On other transcripts: non-coding transcript variant (1).
Genome position (GRCh38, 1-based): chr17:58,692,709, G>T. VCF-style: chr17-58692709-G-T. GRCh37 (hg19) VCF-style: chr17-56770070-G-T.
Other names: c.66G>T, p.Ala22= (NM_002876.4).
Identifiers: ClinVar variation 492378 (VCV000492378.6), dbSNP rs876660695, ClinGen allele CA501074356.